The following is an entry in ClinVar:

ClinVar aggregate classification (germline): Benign/Likely benign. Review status: criteria provided, multiple submitters, no conflicts (2 of 4 stars). 4 submissions from 4 submitters: Benign (1); Likely benign (3). Last evaluated 2024-11-13.

Conditions:
Hereditary cancer-predisposing syndrome. Also called: Tumor predisposition; Hereditary neoplastic syndrome; Neoplastic Syndromes, Hereditary; Hereditary Cancer Syndrome. Identifiers: Orphanet 140162, MedGen C0027672, MeSH D009386, MONDO:0015356.
Familial adenomatous polyposis 1 (FAP1). Also called: FAMILIAL ADENOMATOUS POLYPOSIS 1, ATTENUATED; POLYPOSIS, ADENOMATOUS INTESTINAL. Identifiers: MedGen C2713442, MONDO:0021056, OMIM 175100. Disease mechanism: loss of function.

Submissions (4):

Labcorp Genetics (formerly Invitae), Labcorp
Classification: Likely benign for Familial adenomatous polyposis 1. Last evaluated: 2024-11-13. Review status: criteria provided, single submitter. Criteria: Invitae Variant Classification Sherloc (09022015). Collection method: clinical testing. Allele origin: germline.

Myriad Genetics, Inc.
Classification: Benign for Familial adenomatous polyposis 1. Last evaluated: 2024-04-03. Review status: criteria provided, single submitter. Criteria: Myriad Autosomal Dominant, Autosomal Recessive and X-Linked Classification Criteria (2023). Collection method: clinical testing. Allele origin: unknown.
Comment: This variant is considered benign. This variant is a silent/synonymous amino acid change and it is not expected to impact splicing.

Ambry Genetics
Classification: Likely benign for Hereditary cancer-predisposing syndrome. Last evaluated: 2022-11-04. Review status: criteria provided, single submitter. Criteria: Ambry Variant Classification Scheme 2023. Collection method: clinical testing. Allele origin: germline.

Sema4
Classification: Likely benign for Hereditary cancer-predisposing syndrome. Last evaluated: 2021-09-18. Review status: criteria provided, single submitter. Criteria: Sema4 Curation Guidelines. Collection method: curation. Allele origin: germline.

NM_000038.6(APC):c.5940C>T (p.Asn1980=)

Gene: APC (APC regulator of Wnt signaling pathway; plus strand). Cytogenetic location: 5q22.2.
Variant type: single nucleotide variant.
Coding change: c.5940C>T on transcript NM_000038.6 (MANE Select); coding-DNA position 5940, C replaced by T.
Protein change: p.Asn1980=; no amino-acid change (asparagine 1980 retained).
Molecular consequence: synonymous variant.
Genome position (GRCh38, 1-based): chr5:112,841,534, C>T. VCF-style: chr5-112841534-C-T. GRCh37 (hg19) VCF-style: chr5-112177231-C-T.
Other names: c.5940C>T, p.Asn1980= (NM_001127510.3, NM_001354895.2); c.5886C>T, p.Asn1962= (NM_001127511.3); c.5994C>T, p.Asn1998= (NM_001354896.2); c.5970C>T, p.Asn1990= (NM_001354897.2); c.5865C>T, p.Asn1955= (NM_001354898.2); c.5856C>T, p.Asn1952= (NM_001354899.2); c.5817C>T, p.Asn1939= (NM_001354900.2); c.5763C>T, p.Asn1921= (NM_001354901.2); and 5 more.
Identifiers: ClinVar variation 751636 (VCV000751636.13), dbSNP rs147598747, ClinGen allele CA446210051.